The following is an entry in ClinVar:

NM_001077350.3(NPRL3):c.925-2A>T

Genes: HBA-LCR (alpha-globin locus control region; plus strand), NPRL3 (NPR3 like, GATOR1 complex subunit; minus strand). Cytogenetic location: 16p13.3.
Variant type: single nucleotide variant.
Coding change: c.925-2A>T on transcript NM_001077350.3 (MANE Select); the canonical splice acceptor site of the intron before coding-DNA position 925, A replaced by T.
Molecular consequence: splice acceptor variant.
Genome position (GRCh38, 1-based): chr16:93,327, T>A on the plus strand (A>T on the coding strand, the complement: NPRL3 is on the minus strand). VCF-style: chr16-93327-T-A. GRCh37 (hg19) VCF-style: chr16-143325-T-A.
Other names: c.691-2A>T (NM_001243247.2); c.850-2A>T (NM_001243248.2, NM_001243249.2); c.388-2A>T (NM_001039476.3).
Identifiers: ClinVar variation 1068168 (VCV001068168.7), dbSNP rs1431914212, ClinGen allele CA394053866.

ClinVar aggregate classification (germline): Likely pathogenic (1 of 4 stars; one submission).

Conditions:
Epilepsy, familial focal, with variable foci 3 (FFEVF3). Identifiers: MedGen C4310708, MONDO:0014925, OMIM 617118.

gnomAD v4.1: 1 of 1,548,436 alleles (0.000065%); highest among the groups gnomAD compares: Middle Eastern, 0.017%; no homozygotes.

Submission:

Labcorp Genetics (formerly Invitae), Labcorp
Classification: Likely pathogenic for Epilepsy, familial focal, with variable foci 3. Last evaluated: 2025-12-01. Review status: criteria provided, single submitter. Criteria: Invitae Variant Classification Sherloc (09022015). Collection method: clinical testing. Allele origin: germline.
Comment: This sequence change affects an acceptor splice site in intron 9 of the NPRL3 gene. It is expected to disrupt RNA splicing. Variants that disrupt the donor or acceptor splice site typically lead to a loss of protein function (PMID: 16199547), and loss-of-function variants in NPRL3 are known to be pathogenic (PMID: 26285051, 26505888). This variant is present in population databases (no rsID available, gnomAD no frequency). Disruption of this splice site has been observed in individual(s) with clinical features of NPRL3-related conditions (internal data). ClinVar contains an entry for this variant (Variation ID: 1068168). Algorithms developed to predict the effect of sequence changes on RNA splicing suggest that this variant may disrupt the consensus splice site. In summary, the currently available evidence indicates that the variant is pathogenic, but additional data are needed to prove that conclusively. Therefore, this variant has been classified as Likely Pathogenic.

Literature cited by the submitters: PubMed 16199547; PubMed 26285051; PubMed 26505888.